The following is an entry in ClinVar:

ClinVar aggregate classification (germline): Uncertain significance (1 of 4 stars; one submission).

gnomAD v4.1: 1 of 1,612,268 alleles (0.000062%); highest among the groups gnomAD compares: South Asian, 0.0011%; no homozygotes.

Submission:

Women's Health and Genetics/Laboratory Corporation of America, LabCorp
Classification: Uncertain significance. Last evaluated: 2024-11-22. Review status: criteria provided, single submitter. Criteria: LabCorp Variant Classification Summary - May 2015. Collection method: clinical testing. Allele origin: germline.
Comment: Variant summary: WDR73 c.599T>C (p.Leu200Pro) results in a non-conservative amino acid change in the encoded protein sequence. Four of five in-silico tools predict a damaging effect of the variant on protein function. The variant allele was found at a frequency of 4.1e-06 in 245142 control chromosomes. The available data on variant occurrences in the general population are insufficient to allow any conclusion about variant significance. To our knowledge, no occurrence of c.599T>C in individuals affected with Galloway-Mowat Syndrome 1 and no experimental evidence demonstrating its impact on protein function have been reported. No submitters have cited clinical-significance assessments for this variant to ClinVar. Based on the evidence outlined above, the variant was classified as uncertain significance.

NM_032856.5(WDR73):c.599T>C (p.Leu200Pro)

Gene: WDR73 (WD repeat domain 73; minus strand). Cytogenetic location: 15q25.2.
Variant type: single nucleotide variant.
Coding change: c.599T>C on transcript NM_032856.5 (MANE Select); coding-DNA position 599, T replaced by C.
Protein change: p.Leu200Pro; replaces leucine 200 with proline.
Molecular consequence: missense variant. On other transcripts: non-coding transcript variant (4).
Genome position (GRCh38, 1-based): chr15:84,645,755, A>G on the plus strand (T>C on the coding strand, the complement: WDR73 is on the minus strand). VCF-style: chr15-84645755-A-G. GRCh37 (hg19) VCF-style: chr15-85188986-A-G.
Other names: short protein forms L200P.
Identifiers: ClinVar variation 3629929 (VCV003629929.1).
Genomic context (GRCh38, chr15:84,645,755, plus strand): 5'-CCAGGGCCAGGGCTGCGATTCTCCAACGGTGCCCACTTCTGCCGGGTGTCAACAAGCCCC[A>G]GCCGGCCTGAAGCACAGCAGAAGGCAAAGGTGTCTGCATCTAGGACCTGCAGGCTACTCA-3'
Protein context (NP_116245.2, residues 190-210): TFAFCCASGR[Leu200Pro]GLVDTRQKWA